The following is an entry in ClinVar:

NM_001377.3(DYNC2H1):c.8991C>T (p.Pro2997=)

Gene: DYNC2H1 (dynein cytoplasmic 2 heavy chain 1; plus strand). Cytogenetic location: 11q22.3.
Variant type: single nucleotide variant.
Coding change: c.8991C>T on transcript NM_001377.3 (MANE Select); coding-DNA position 8991, C replaced by T.
Protein change: p.Pro2997=; no amino-acid change (proline 2997 retained).
Molecular consequence: synonymous variant.
Genome position (GRCh38, 1-based): chr11:103,220,667, C>T. VCF-style: chr11-103220667-C-T. GRCh37 (hg19) VCF-style: chr11-103091396-C-T.
Other names: c.8991C>T, p.Pro2997= (NM_001080463.2).
Identifiers: ClinVar variation 879966 (VCV000879966.10), dbSNP rs765905797, ClinGen allele CA6254583.
Genomic context (GRCh38, chr11:103,220,667, plus strand): 5'-CCTTTTTCTCTTTTAGCCTTTAGTCAATGAAGCTAAACTAGCAGTTGGAAACATTAAGCC[C>T]GAATCACTTTCAGAAATTCGCTCACTACGCATGCCACCTGATGTAATTAGAGATATTCTT-3'
Protein context (NP_001368.2, residues 2987-3007): EAKLAVGNIK[Pro2997=]ESLSEIRSLR

ClinVar aggregate classification (germline): Conflicting classifications of pathogenicity. Review status: criteria provided, conflicting classifications (1 of 4 stars). 4 submissions from 4 submitters: Uncertain significance (1); Likely benign (2). 1 of the submissions does not count toward it. Last evaluated 2026-01-19.

Conditions:
DYNC2H1-related disorder. Also called: DYNC2H1-related condition; DYNC2H1-related disorders. Identifiers: MedGen CN378770.
Asphyxiating thoracic dystrophy 3. Also called: SHORT-RIB THORACIC DYSPLASIA 3 WITH OR WITHOUT POLYDACTYLY; POLYDACTYLY WITH NEONATAL CHONDRODYSTROPHY, TYPE I; SHORT-RIB THORACIC DYSPLASIA 3/6 WITH POLYDACTYLY, DIGENIC; Short rib polydactyly syndrome 2B; Saldino-Noonan Syndrome. Identifiers: Orphanet 474, Orphanet 93269, Orphanet 93270, Orphanet 93271, MedGen C0036069, MONDO:0013127, OMIM 613091.
Jeune thoracic dystrophy. Also called: Jeune syndrome; Infantile thoracic dystrophy; Thoracic pelvic phalangeal dystrophy; Jeune's syndrome; Chondroectodermal dysplasia-like syndrome; Short-rib thoracic dysplasia. Identifiers: Orphanet 474, MedGen C0265275, MONDO:0018770.

Allele frequency attached by ClinVar (database versions not stated): gnomAD 0.00001.
gnomAD v4.1: 88 of 1,611,760 alleles (0.0055%); highest among the groups gnomAD compares: South Asian, 0.021%; 1 homozygote.

Submissions (4):

Labcorp Genetics (formerly Invitae), Labcorp
Classification: Likely benign for Jeune thoracic dystrophy. Last evaluated: 2026-01-19. Review status: criteria provided, single submitter. Criteria: Invitae Variant Classification Sherloc (09022015). Collection method: clinical testing. Allele origin: germline.

Blueprint Genetics
Classification: Likely benign. Last evaluated: 2023-09-08. Review status: criteria provided, single submitter. Criteria: ACMG Guidelines, 2015. Collection method: clinical testing. Allele origin: germline.

Illumina Laboratory Services, Illumina
Classification: Uncertain significance for Asphyxiating thoracic dystrophy 3. Last evaluated: 2018-01-13. Review status: criteria provided, single submitter. Criteria: ICSL Variant Classification Criteria 13 December 2019. Collection method: clinical testing. Allele origin: germline.

PreventionGenetics, part of Exact Sciences
Classification: Likely benign for DYNC2H1-related condition. Last evaluated: 2019-07-30. Review status: no assertion criteria provided. Collection method: clinical testing. Allele origin: germline. Not counted in ClinVar's aggregate classification.
Comment: This variant is classified as likely benign based on ACMG/AMP sequence variant interpretation guidelines (Richards et al. 2015 PMID: 25741868, with internal and published modifications).